The following is an entry in ClinVar:

ClinVar aggregate classification (germline): Pathogenic. Review status: criteria provided, multiple submitters, no conflicts (2 of 4 stars). 2 submissions from 2 submitters: Pathogenic (2). Last evaluated 2024-09-03.

Conditions:
Familial cancer of breast. Also called: Hereditary breast cancer; BREAST CANCER, FAMILIAL; hereditary breast carcinoma. Identifiers: Orphanet 227535, MedGen C0346153, MONDO:0016419, OMIM 114480. Disease mechanism: loss of function.

Submissions (2):

Quest Diagnostics Nichols Institute San Juan Capistrano
Classification: Pathogenic. Last evaluated: 2024-09-03. Review status: criteria provided, single submitter. Criteria: Quest Diagnostics criteria. Collection method: clinical testing. Allele origin: unknown.
Comment: The PALB2 c.3347_3348del (p.Gly1116Glufs*6) variant alters the translational reading frame of the PALB2 mRNA and causes the premature termination of PALB2 protein synthesis. This variant has not been reported in individuals with PALB2-related conditions in the published literature. This variant has not been reported in large, multi-ethnic general populations (Genome Aggregation Database). Based on the available information, this variant is classified as pathogenic.

Myriad Genetics, Inc.
Classification: Pathogenic for Familial cancer of breast. Last evaluated: 2023-09-15. Review status: criteria provided, single submitter. Criteria: Myriad Autosomal Dominant, Autosomal Recessive and X-Linked Classification Criteria (2023). Collection method: clinical testing. Allele origin: unknown.
Comment: This variant is considered pathogenic. This variant creates a frameshift predicted to result in premature protein truncation.

NM_024675.4(PALB2):c.3347_3348del (p.Gly1116fs)

Gene: PALB2 (partner and localizer of BRCA2; minus strand). Cytogenetic location: 16p12.2.
Variant type: Deletion.
Coding change: c.3347_3348del on transcript NM_024675.4 (MANE Select); coding-DNA positions 3347 to 3348, 2 bases deleted (GC; older notation c.3347_3348delGC).
Protein change: p.Gly1116fs; shifts the reading frame from glycine 1116.
Molecular consequence: frameshift variant. On other transcripts: intron variant (8).
Genome position (GRCh38, 1-based): chr16:23,607,866-23,607,867, GC deleted on the plus strand (GC on the coding strand, the reverse complement: PALB2 is on the minus strand). VCF-style (leftmost placement, unchanged base first): chr16-23607865-TGC-T. GRCh37 (hg19) VCF-style: chr16-23619186-TGC-T.
Other names: c.3287_3288del, p.Gly1096fs (NM_001407296.1); c.3275_3276del, p.Gly1092fs (NM_001407297.1); c.3185_3186del, p.Gly1062fs (NM_001407298.1); c.3068_3069del, p.Gly1023fs (NM_001407300.1); c.2462_2463del, p.Gly821fs (NM_001407304.1, NM_001407305.1, NM_001407306.1); c.2300_2301del, p.Gly767fs (NM_001407307.1); c.1559_1560del, p.Gly520fs (NM_001407312.1); c.881_882del, p.Gly294fs (NM_001407314.1); and 8 more; short protein forms G1023fs, G1062fs, G1092fs, G1096fs, G1116fs, G294fs, G520fs, G767fs.
Identifiers: ClinVar variation 2674089 (VCV002674089.2), dbSNP rs2506213403, ClinGen allele CA2695197576.